The following is an entry in ClinVar:

ClinVar aggregate classification (germline): Uncertain significance (1 of 4 stars; one submission).

Conditions:
Hereditary cancer-predisposing syndrome. Also called: Neoplastic Syndromes, Hereditary; Tumor predisposition; Hereditary Cancer Syndrome; Hereditary neoplastic syndrome. Identifiers: Orphanet 140162, MedGen C0027672, MeSH D009386, MONDO:0015356.

Submissions (2):

Sema4
Classification: Uncertain significance for Hereditary cancer-predisposing syndrome. Last evaluated: 2021-04-09. Review status: criteria provided, single submitter. Criteria: Sema4 Curation Guidelines. Collection method: curation. Allele origin: germline.
Comment: To the best of our knowledge, the BRCA1 c.23T>C (p.V8A) variant has not been reported in individuals with BRCA1-related disease. It was not observed in the large and broad cohorts of the Genome Aggregation Database, but has been reported in ClinVar (Variation ID: 867693). This variant involves a moderately conserved amino acid, and computational analyses suggest that the variant does not impact the function of the protein. However, these predictions have not been confirmed by published functional studies. The evidence is insufficient to meet ACMG/AMP criteria for classifying the variant as benign or pathogenic. Thus, the clinical significance of this variant is currently uncertain.

Brotman Baty Institute, University of Washington
No classification provided (evidence only). Condition: Breast-ovarian cancer, familial 1. Review status: no classification provided. Collection method: in vitro. Allele origin: not applicable. Functional consequence: functionally_normal. Not counted in ClinVar's aggregate classification.
ClinVar note: "not provided" was previously submitted as the classification for the variant. However, the classification appeared to be based only on an observation of functional data so it was converted to no classification on 2025-07-30.

NM_007294.4(BRCA1):c.23T>C (p.Val8Ala)

Gene: BRCA1 (BRCA1 DNA repair associated; minus strand). Cytogenetic location: 17q21.31.
Variant type: single nucleotide variant.
Coding change: c.23T>C on transcript NM_007294.4 (MANE Select); coding-DNA position 23, T replaced by C.
Protein change: p.Val8Ala; replaces valine 8 with alanine.
Molecular consequence: missense variant. On other transcripts: 5 prime UTR variant (1), non-coding transcript variant (1).
Genome position (GRCh38, 1-based): chr17:43,124,074, A>G on the plus strand (T>C on the coding strand, the complement: BRCA1 is on the minus strand). VCF-style: chr17-43124074-A-G. GRCh37 (hg19) VCF-style: chr17-41276091-A-G.
Other names: c.-166T>C (NM_001407571.1, NM_001407853.1, NM_001407879.1 and 46 more transcripts); c.23T>C, p.Val8Ala (NM_001407581.1, NM_001407582.1, NM_001407583.1 and 193 more transcripts); c.-235T>C (NM_001407694.1, NM_001407724.1, NM_001407727.1 and 11 more transcripts); c.-239T>C (NM_001407695.1, NM_001408465.1); c.-380T>C (NM_001407696.1); c.-264T>C (NM_001407697.1, NM_001407846.1, NM_001407920.1); c.-65T>C (NM_001407698.1, NM_001407732.1, NM_001407736.1 and 23 more transcripts); c.-238T>C (NM_001407725.1, NM_001407730.1, NM_001407734.1 and 22 more transcripts); and 8 more; short protein forms V8A.
Identifiers: ClinVar variation 867693 (VCV000867693.3), dbSNP rs2055739664, ClinGen allele CA10602117.
Genomic context (GRCh38, chr17:43,124,074, plus strand): 5'-TACCAGATGGGACACTCTAAGATTTTCTGCATAGCATTAATGACATTTTGTACTTCTTCA[A>G]CGCGAAGAGCAGATAAATCCATTTCTTTCTGTTCCAATGAACTTTAACACATTAGAAAAA-3'
Protein context (NP_009225.1, residues 1-18): MDLSALR[Val8Ala]EEVQNVINAM